The following is an entry in ClinVar:

NM_006206.6(PDGFRA):c.2028T>C (p.Tyr676=)

Gene: PDGFRA (platelet derived growth factor receptor alpha; plus strand). Cytogenetic location: 4q12.
Variant type: single nucleotide variant.
Coding change: c.2028T>C on transcript NM_006206.6 (MANE Select); coding-DNA position 2028, T replaced by C.
Protein change: p.Tyr676=; no amino-acid change (tyrosine 676 retained).
Molecular consequence: synonymous variant.
Genome position (GRCh38, 1-based): chr4:54,278,387, T>C. VCF-style: chr4-54278387-T-C. GRCh37 (hg19) VCF-style: chr4-55144554-T-C.
Other names: c.2028T>C, p.Tyr676= (NM_001347827.2, NM_001347829.2); c.2103T>C, p.Tyr701= (NM_001347828.2); c.2067T>C, p.Tyr689= (NM_001347830.2).
Identifiers: ClinVar variation 1124853 (VCV001124853.12), dbSNP rs748100497, ClinGen allele CA96861864.
Genomic context (GRCh38, chr4:54,278,387, plus strand): 5'-TCATACCCATCTCCTAACGGCTTTTGTCCCCATAGGCCCCATTTACATCATCACAGAGTA[T>C]TGCTTCTATGGAGATTTGGTCAACTATTTGCATAAGAATAGGGATAGCTTCCTGAGCCAC-3'
Protein context (NP_006197.1, residues 666-686): KSGPIYIITE[Tyr676=]CFYGDLVNYL

ClinVar aggregate classification (germline): Benign/Likely benign. Review status: criteria provided, multiple submitters, no conflicts (2 of 4 stars). 3 submissions from 3 submitters: Benign (1); Likely benign (2). Last evaluated 2026-06-17.

Conditions:
Gastrointestinal stromal tumor. Also called: Gastrointestinal stroma tumor; Gastrointestinal stromal tumor, somatic. Identifiers: Orphanet 44890, MedGen C0238198, MeSH D046152, MONDO:0011719, OMIM 606764, HP:0100723.
Hereditary cancer-predisposing syndrome. Also called: Neoplastic Syndromes, Hereditary; Hereditary Cancer Syndrome; Hereditary neoplastic syndrome; Tumor predisposition. Identifiers: Orphanet 140162, MedGen C0027672, MeSH D009386, MONDO:0015356.
Polyps, multiple and recurrent inflammatory fibroid, gastrointestinal. Identifiers: MedGen C5193005, MONDO:0008285, OMIM 175510.

Allele frequency attached by ClinVar (database versions not stated): gnomAD 0.00001; TOPMed 0.00001.
gnomAD v4.1: 2 of 1,613,756 alleles (0.00012%); highest among the groups gnomAD compares: African/African-American, 0.0027%; no homozygotes.

Submissions (3):

Myriad Genetics, Inc.
Classification: Benign for Polyps, multiple and recurrent inflammatory fibroid, gastrointestinal. Last evaluated: 2026-06-17. Review status: criteria provided, single submitter. Criteria: Myriad Autosomal Dominant, Autosomal Recessive and X-Linked Classification Criteria (2023). Collection method: clinical testing. Allele origin: unknown.
Comment: This variant is considered benign. This variant is a silent/synonymous amino acid change and it is not expected to impact splicing.

Labcorp Genetics (formerly Invitae), Labcorp
Classification: Likely benign for Gastrointestinal stromal tumor. Last evaluated: 2025-10-06. Review status: criteria provided, single submitter. Criteria: Invitae Variant Classification Sherloc (09022015). Collection method: clinical testing. Allele origin: germline.

Ambry Genetics
Classification: Likely benign for Hereditary cancer-predisposing syndrome. Last evaluated: 2022-05-23. Review status: criteria provided, single submitter. Criteria: Ambry Variant Classification Scheme 2023. Collection method: clinical testing. Allele origin: germline.